The following is an entry in ClinVar:

NM_004415.4(DSP):c.7628T>C (p.Phe2543Ser)

Gene: DSP (desmoplakin; plus strand). Cytogenetic location: 6p24.3.
Variant type: single nucleotide variant.
Coding change: c.7628T>C on transcript NM_004415.4 (MANE Select); coding-DNA position 7628, T replaced by C.
Protein change: p.Phe2543Ser; replaces phenylalanine 2543 with serine.
Molecular consequence: missense variant.
Genome position (GRCh38, 1-based): chr6:7,584,890, T>C. VCF-style: chr6-7584890-T-C. GRCh37 (hg19) VCF-style: chr6-7585123-T-C.
Other names: c.5831T>C, p.Phe1944Ser (NM_001008844.3); c.6299T>C, p.Phe2100Ser (NM_001319034.2); short protein forms F2100S, F2543S, F1944S.
Identifiers: ClinVar variation 4245142 (VCV004245142.2).
Genomic context (GRCh38, chr6:7,584,890, plus strand): 5'-AGACAGGCAGTCAGTATGATATTCAAGATGCTATTGACAAGGGCCTTGTTGACAGGAAGT[T>C]CTTTGATCAGTACCGATCCGGCAGCCTCAGCCTCACTCAATTTGCTGACATGATCTCCTT-3'
Protein context (NP_004406.2, residues 2533-2553): AIDKGLVDRK[Phe2543Ser]FDQYRSGSLS

ClinVar aggregate classification (germline): Uncertain significance. Review status: criteria provided, multiple submitters, no conflicts (2 of 4 stars). 2 submissions from 2 submitters: Uncertain significance (2). Last evaluated 2025-09-10.

Conditions:
Cardiovascular phenotype. Identifiers: MedGen CN230736.

gnomAD v4.1: 2 of 1,614,156 alleles (0.00012%); highest among the groups gnomAD compares: Non-Finnish European, 0.00017%; no homozygotes.

Submissions (2):

Ambry Genetics
Classification: Uncertain significance for Cardiovascular phenotype. Last evaluated: 2025-09-10. Review status: criteria provided, single submitter. Criteria: Ambry Variant Classification Scheme 2023. Collection method: clinical testing. Allele origin: germline.

GeneDx
Classification: Uncertain significance. Last evaluated: 2025-04-29. Review status: criteria provided, single submitter. Criteria: GeneDx Variant Classification Process June 2021. Collection method: clinical testing. Allele origin: germline. Affected: yes.
Comment: Not observed at significant frequency in large population cohorts (gnomAD); In silico analysis indicates that this missense variant does not alter protein structure/function; Has not been previously published as pathogenic or benign to our knowledge